The following is an entry in ClinVar:

Conditions:
Breast-ovarian cancer, familial, susceptibility to, 1 (BROVCA1). Also called: BRCA1 Hereditary Breast and Ovarian Cancer; OVARIAN CANCER, SUSCEPTIBILITY TO. Identifiers: Orphanet 145, MedGen C2676676, MONDO:0011450, OMIM 604370. Disease mechanism: loss of function.

Submission:

Brotman Baty Institute, University of Washington
No classification provided (evidence only). Condition: Breast-ovarian cancer, familial 1. Review status: no classification provided. Collection method: in vitro. Allele origin: not applicable. Functional consequence: functionally_normal.
ClinVar note: "not provided" was previously submitted as the classification for the variant. However, the classification appeared to be based only on an observation of functional data so it was converted to no classification on 2025-07-30.

NM_007294.4(BRCA1):c.5233A>C (p.Asn1745His)

Gene: BRCA1 (BRCA1 DNA repair associated; minus strand). Cytogenetic location: 17q21.31.
Variant type: single nucleotide variant.
Coding change: c.5233A>C on transcript NM_007294.4 (MANE Select); coding-DNA position 5233, A replaced by C.
Protein change: p.Asn1745His; replaces asparagine 1745 with histidine.
Molecular consequence: missense variant. On other transcripts: non-coding transcript variant (1).
Genome position (GRCh38, 1-based): chr17:43,057,096, T>G on the plus strand (A>C on the coding strand, the complement: BRCA1 is on the minus strand). VCF-style: chr17-43057096-T-G. GRCh37 (hg19) VCF-style: chr17-41209113-T-G.
Other names: c.1912A>C, p.Asn638His (NM_001408409.1); c.1849A>C, p.Asn617His (NM_001408410.1); c.1846A>C, p.Asn616His (NM_001408411.1); c.1843A>C, p.Asn615His (NM_001408412.1, NM_001408413.1, NM_001408414.1 and 2 more transcripts); c.1801A>C, p.Asn601His (NM_001408428.1, NM_001408429.1, NM_001408430.1 and 4 more transcripts); c.1798A>C, p.Asn600His (NM_001408432.1, NM_001408433.1, NM_001408434.1 and 10 more transcripts); c.1795A>C, p.Asn599His (NM_001408447.1, NM_001408448.1, NM_001408450.1 and 2 more transcripts); c.1789A>C, p.Asn597His (NM_001408451.1); and 72 more; short protein forms N1698H, N641H, N1745H, N1766H, N1591H, N1618H, N1632H, N1655H.
Identifiers: ClinVar variation 868207 (VCV000868207.3), dbSNP rs2051514369, ClinGen allele CA10591077.
Genomic context (GRCh38, chr17:43,057,096, plus strand): 5'-AGGGAGGGAGCTTTACCTTTCTGTCCTGGGATTCTCTTGCTCGCTTTGGACCTTGGTGGT[T>G]TCTTCCATTGACCACATCTCCTCTGACTTCAAAATCATGCTGAAAGAAACCAAACACAAC-3'
Protein context (NP_009225.1, residues 1735-1755): EVRGDVVNGR[Asn1745His]HQGPKRARES